The following is an entry in ClinVar:

NM_002691.4(POLD1):c.667G>A (p.Ala223Thr)

Gene: POLD1 (DNA polymerase delta 1, catalytic subunit; plus strand). Cytogenetic location: 19q13.33.
Variant type: single nucleotide variant.
Coding change: c.667G>A on transcript NM_002691.4 (MANE Select); coding-DNA position 667, G replaced by A.
Protein change: p.Ala223Thr; replaces alanine 223 with threonine.
Molecular consequence: missense variant. On other transcripts: non-coding transcript variant (1).
Genome position (GRCh38, 1-based): chr19:50,402,282, G>A. VCF-style: chr19-50402282-G-A. GRCh37 (hg19) VCF-style: chr19-50905539-G-A.
Other names: c.667G>A, p.Ala223Thr (NM_001256849.1, NM_001308632.1); short protein forms A223T.
Identifiers: ClinVar variation 537075 (VCV000537075.10), dbSNP rs1555790021, ClinGen allele CA406974246.

ClinVar aggregate classification (germline): Uncertain significance (1 of 4 stars; one submission).

Conditions:
POLD1-related polyposis and colorectal cancer syndrome (CRCS10). Also called: Colorectal cancer 10; COLORECTAL CANCER, SUSCEPTIBILITY TO, ON CHROMOSOME 19q; Colorectal cancer, susceptibility to, 10. Identifiers: Orphanet 220460, MedGen C2675481, MONDO:0012953, OMIM 612591.

Submission:

Labcorp Genetics (formerly Invitae), Labcorp
Classification: Uncertain significance for POLD1-related polyposis and colorectal cancer syndrome. Last evaluated: 2019-06-26. Review status: criteria provided, single submitter. Criteria: Invitae Variant Classification Sherloc (09022015). Collection method: clinical testing. Allele origin: germline.
Comment: This sequence change replaces alanine with threonine at codon 223 of the POLD1 protein (p.Ala223Thr). The alanine residue is highly conserved and there is a small physicochemical difference between alanine and threonine. This variant is not present in population databases (ExAC no frequency). This variant has not been reported in the literature in individuals with POLD1-related disease. Algorithms developed to predict the effect of missense changes on protein structure and function (SIFT, PolyPhen-2, Align-GVGD) all suggest that this variant is likely to be tolerated, but these predictions have not been confirmed by published functional studies and their clinical significance is uncertain. In summary, the available evidence is currently insufficient to determine the role of this variant in disease. Therefore, it has been classified as a Variant of Uncertain Significance.